The following is an entry in ClinVar:

ClinVar aggregate classification (germline): Uncertain significance (1 of 4 stars; one submission).

Conditions:
Charcot-Marie-Tooth disease, type I (CMT1). Also called: Charcot-Marie-Tooth, Type 1; Charcot-Marie-Tooth disease type 1. Identifiers: Orphanet 65753, MedGen C0751036, MONDO:0019011.

Allele frequency attached by ClinVar (database versions not stated): TOPMed below 0.00001; gnomAD 0.00001.
gnomAD v4.1: 2 of 1,614,064 alleles (0.00012%); highest among the groups gnomAD compares: Non-Finnish European, 0.00017%; no homozygotes.

Submission:

Labcorp Genetics (formerly Invitae), Labcorp
Classification: Uncertain significance for Charcot-Marie-Tooth disease, type I. Last evaluated: 2022-09-13. Review status: criteria provided, single submitter. Criteria: Invitae Variant Classification Sherloc (09022015). Collection method: clinical testing. Allele origin: germline.
Comment: This sequence change replaces valine, which is neutral and non-polar, with leucine, which is neutral and non-polar, at codon 178 of the MPZ protein (p.Val178Leu). This variant is not present in population databases (gnomAD no frequency). This variant has not been reported in the literature in individuals affected with MPZ-related conditions. ClinVar contains an entry for this variant (Variation ID: 661630). Advanced modeling of protein sequence and biophysical properties (such as structural, functional, and spatial information, amino acid conservation, physicochemical variation, residue mobility, and thermodynamic stability) performed at Invitae indicates that this missense variant is not expected to disrupt MPZ protein function. In summary, the available evidence is currently insufficient to determine the role of this variant in disease. Therefore, it has been classified as a Variant of Uncertain Significance.

NM_000530.8(MPZ):c.532G>C (p.Val178Leu)

Gene: MPZ (myelin protein zero; minus strand). Cytogenetic location: 1q23.3.
Variant type: single nucleotide variant.
Coding change: c.532G>C on transcript NM_000530.8 (MANE Select); coding-DNA position 532, G replaced by C.
Protein change: p.Val178Leu; replaces valine 178 with leucine.
Molecular consequence: missense variant.
Genome position (GRCh38, 1-based): chr1:161,306,381, C>G on the plus strand (G>C on the coding strand, the complement: MPZ is on the minus strand). VCF-style: chr1-161306381-C-G. GRCh37 (hg19) VCF-style: chr1-161276171-C-G.
Other names: c.532G>C, p.Val178Leu (NM_001315491.2); c.532G>C (LRG_256t1); short protein forms V178L.
Identifiers: ClinVar variation 661630 (VCV000661630.8), dbSNP rs1238706311, ClinGen allele CA343345751.